The following is an entry in ClinVar:

NM_016169.4(SUFU):c.1036A>G (p.Ser346Gly)

Gene: SUFU (SUFU negative regulator of hedgehog signaling; plus strand). Cytogenetic location: 10q24.32.
Variant type: single nucleotide variant.
Coding change: c.1036A>G on transcript NM_016169.4 (MANE Select); coding-DNA position 1036, A replaced by G.
Protein change: p.Ser346Gly; replaces serine 346 with glycine.
Molecular consequence: missense variant.
Genome position (GRCh38, 1-based): chr10:102,615,281, A>G. VCF-style: chr10-102615281-A-G. GRCh37 (hg19) VCF-style: chr10-104375038-A-G.
Other names: c.1036A>G, p.Ser346Gly (NM_001178133.2); short protein forms S346G.
Identifiers: ClinVar variation 4865241 (VCV004865241.1).

ClinVar aggregate classification (germline): Uncertain significance (1 of 4 stars; one submission).

Conditions:
Hereditary cancer-predisposing syndrome. Also called: Neoplastic Syndromes, Hereditary; Tumor predisposition; Hereditary Cancer Syndrome; Hereditary neoplastic syndrome. Identifiers: Orphanet 140162, MedGen C0027672, MeSH D009386, MONDO:0015356.

gnomAD v4.1: 1 of 1,614,144 alleles (0.000062%); highest among the groups gnomAD compares: Non-Finnish European, 0.000085%; no homozygotes.

Submission:

Ambry Genetics
Classification: Uncertain significance for Hereditary cancer-predisposing syndrome. Last evaluated: 2026-04-11. Review status: criteria provided, single submitter. Criteria: Ambry Variant Classification Scheme 2023. Collection method: clinical testing. Allele origin: germline.
Comment: The p.S346G variant (also known as c.1036A>G), located in coding exon 9 of the SUFU gene, results from an A to G substitution at nucleotide position 1036. The serine at codon 346 is replaced by glycine, an amino acid with similar properties. This amino acid position is conserved. In addition, the in silico prediction for this alteration is inconclusive. Based on the available evidence, the clinical significance of this variant remains unclear.